The following is an entry in ClinVar:

NM_005876.5(SPEG):c.2287C>T (p.Arg763Cys)

Gene: SPEG (striated muscle enriched protein kinase; plus strand). Cytogenetic location: 2q35.
Variant type: single nucleotide variant.
Coding change: c.2287C>T on transcript NM_005876.5 (MANE Select); coding-DNA position 2287, C replaced by T.
Protein change: p.Arg763Cys; replaces arginine 763 with cysteine.
Molecular consequence: missense variant.
Genome position (GRCh38, 1-based): chr2:219,451,654, C>T. VCF-style: chr2-219451654-C-T. GRCh37 (hg19) VCF-style: chr2-220316376-C-T.
Other names: short protein forms R763C.
Identifiers: ClinVar variation 1308553 (VCV001308553.8), dbSNP rs767356198, ClinGen allele CA2125809.

ClinVar aggregate classification (germline): Uncertain significance. Review status: criteria provided, multiple submitters, no conflicts (2 of 4 stars). 4 submissions from 4 submitters: Uncertain significance (4). Last evaluated 2025-06-18.

Conditions:
Inborn genetic diseases. Identifiers: MedGen C0950123, MeSH D030342.
Myopathy, centronuclear, 5 (CNM5). Identifiers: Orphanet 169186, MedGen C4014814, MONDO:0014418, OMIM 615959.

Allele frequency attached by ClinVar (database versions not stated): gnomAD 0.00003 and 0.00004; gnomAD exomes 0.00008; ExAC 0.00019.
gnomAD v4.1: 94 of 1,586,988 alleles (0.0059%); highest among the groups gnomAD compares: Admixed American, 0.03%; no homozygotes.

Submissions (4):

Ambry Genetics
Classification: Uncertain significance for Inborn genetic diseases. Last evaluated: 2025-06-18. Review status: criteria provided, single submitter. Criteria: Ambry Variant Classification Scheme 2023. Collection method: clinical testing. Allele origin: germline.

Labcorp Genetics (formerly Invitae), Labcorp
Classification: Uncertain significance. Last evaluated: 2025-05-16. Review status: criteria provided, single submitter. Criteria: Invitae Variant Classification Sherloc (09022015). Collection method: clinical testing. Allele origin: germline.
Comment: This sequence change replaces arginine, which is basic and polar, with cysteine, which is neutral and slightly polar, at codon 763 of the SPEG protein (p.Arg763Cys). The frequency data for this variant in the population databases is considered unreliable, as metrics indicate poor data quality at this position in the gnomAD database. This variant has not been reported in the literature in individuals affected with SPEG-related conditions. ClinVar contains an entry for this variant (Variation ID: 1308553). An algorithm developed to predict the effect of missense changes on protein structure and function (PolyPhen-2) suggests that this variant is likely to be tolerated. In summary, the available evidence is currently insufficient to determine the role of this variant in disease. Therefore, it has been classified as a Variant of Uncertain Significance.

Revvity Omics, Revvity
Classification: Uncertain significance for Myopathy, centronuclear, 5. Last evaluated: 2024-06-12. Review status: criteria provided, single submitter. Criteria: ACMG Guidelines, 2015. Collection method: clinical testing. Allele origin: germline.

GeneDx
Classification: Uncertain significance. Last evaluated: 2019-04-16. Review status: criteria provided, single submitter. Criteria: GeneDx Variant Classification Process June 2021. Collection method: clinical testing. Allele origin: germline. Affected: yes.
Comment: In silico analysis, which includes protein predictors and evolutionary conservation, supports a deleterious effect; Has not been previously published as pathogenic or benign to our knowledge